The following is an entry in ClinVar:

ClinVar aggregate classification (germline): Uncertain significance. Review status: criteria provided, multiple submitters, no conflicts (2 of 4 stars). 3 submissions from 3 submitters: Uncertain significance (3). Last evaluated 2023-10-12.

Conditions:
Hereditary cancer-predisposing syndrome. Also called: Neoplastic Syndromes, Hereditary; Hereditary Cancer Syndrome; Tumor predisposition; Hereditary neoplastic syndrome. Identifiers: Orphanet 140162, MedGen C0027672, MeSH D009386, MONDO:0015356.
Neuroblastoma, susceptibility to, 3. Also called: ALK-Related Neuroblastic Tumor Susceptibility. Identifiers: Orphanet 635, MedGen C2751681, MONDO:0013083, OMIM 613014.

Submissions (3):

Ambry Genetics
Classification: Uncertain significance for Hereditary cancer-predisposing syndrome. Last evaluated: 2023-10-12. Review status: criteria provided, single submitter. Criteria: Ambry Variant Classification Scheme 2023. Collection method: clinical testing. Allele origin: germline.
Comment: The p.G1474R variant (also known as c.4420G>C), located in coding exon 29 of the ALK gene, results from a G to C substitution at nucleotide position 4420. The glycine at codon 1474 is replaced by arginine, an amino acid with dissimilar properties. This amino acid position is conserved. In addition, this alteration is predicted to be deleterious by in silico analysis. Since supporting evidence is limited at this time, the clinical significance of this alteration remains unclear.

Baylor Genetics
Classification: Uncertain significance for Neuroblastoma, susceptibility to, 3. Last evaluated: 2023-05-12. Review status: criteria provided, single submitter. Criteria: ACMG Guidelines, 2015. Collection method: clinical testing. Allele origin: unknown.

Labcorp Genetics (formerly Invitae), Labcorp
Classification: Uncertain significance for Neuroblastoma, susceptibility to, 3. Last evaluated: 2021-05-09. Review status: criteria provided, single submitter. Criteria: Invitae Variant Classification Sherloc (09022015). Collection method: clinical testing. Allele origin: germline.
Comment: This sequence change replaces glycine with arginine at codon 1474 of the ALK protein (p.Gly1474Arg). The glycine residue is highly conserved and there is a moderate physicochemical difference between glycine and arginine. In summary, the available evidence is currently insufficient to determine the role of this variant in disease. Therefore, it has been classified as a Variant of Uncertain Significance. Algorithms developed to predict the effect of missense changes on protein structure and function are either unavailable or do not agree on the potential impact of this missense change (SIFT: "Deleterious"; PolyPhen-2: "Probably Damaging"; Align-GVGD: "Class C15"). This variant has not been reported in the literature in individuals with ALK-related conditions. This variant is not present in population databases (ExAC no frequency).

NM_004304.5(ALK):c.4420G>C (p.Gly1474Arg)

Gene: ALK (ALK receptor tyrosine kinase; minus strand). Cytogenetic location: 2p23.2.
Variant type: single nucleotide variant.
Coding change: c.4420G>C on transcript NM_004304.5 (MANE Select); coding-DNA position 4420, G replaced by C.
Protein change: p.Gly1474Arg; replaces glycine 1474 with arginine.
Molecular consequence: missense variant.
Genome position (GRCh38, 1-based): chr2:29,193,667, C>G on the plus strand (G>C on the coding strand, the complement: ALK is on the minus strand). VCF-style: chr2-29193667-C-G. GRCh37 (hg19) VCF-style: chr2-29416533-C-G.
Other names: c.4420G>C (NM_004304.4); c.1216G>C, p.Gly406Arg (NM_001353765.2); short protein forms G406R, G1474R.
Identifiers: ClinVar variation 1509481 (VCV001509481.10), dbSNP rs2148138381, ClinGen allele CA346462158.